The following is an entry in ClinVar:

ClinVar aggregate classification (germline): Likely benign (1 of 4 stars; one submission).

Conditions:
Bruck syndrome 2 (BRKS2). Also called: OSTEOGENESIS IMPERFECTA WITH CONGENITAL JOINT CONTRACTURES. Identifiers: Orphanet 2771, MedGen C1836602, MONDO:0012217, OMIM 609220.

Allele frequency attached by ClinVar (database versions not stated): 1000 Genomes Project 0.00060; 1000 Genomes Project 30x 0.00062; TOPMed 0.00062; gnomAD 0.00068 and 0.00069; gnomAD exomes 0.00478.
gnomAD v4.1: 106 of 152,222 alleles (0.07%); highest among the groups gnomAD compares: Admixed American, 0.12%; no homozygotes.

Submission:

Illumina Laboratory Services, Illumina
Classification: Likely benign for Bruck syndrome 2. Last evaluated: 2018-01-13. Review status: criteria provided, single submitter. Criteria: ICSL Variant Classification Criteria 13 December 2019. Collection method: clinical testing. Allele origin: germline.
Comment: This variant was observed in the ICSL laboratory as part of a predisposition screen in an ostensibly healthy population. It had not been previously curated by ICSL or reported in the Human Gene Mutation Database (HGMD: prior to June 1st, 2018), and was therefore a candidate for classification through an automated scoring system. Utilizing variant allele frequency, disease prevalence and penetrance estimates, and inheritance mode, an automated score was calculated to assess if this variant is too frequent to cause the disease. Based on the score and internal cut-off values, a variant classified as likely benign is not then subjected to further curation. The score for this variant resulted in a classification of likely benign for this disease.

NM_182943.3(PLOD2):c.*848G>A

Gene: PLOD2 (procollagen-lysine,2-oxoglutarate 5-dioxygenase 2; minus strand). Cytogenetic location: 3q24.
Variant type: single nucleotide variant.
Coding change: c.*848G>A on transcript NM_182943.3 (MANE Select); 848 bases downstream of the stop codon, G replaced by A.
Molecular consequence: 3 prime UTR variant.
Genome position (GRCh38, 1-based): chr3:146,069,869, C>T on the plus strand (G>A on the coding strand, the complement: PLOD2 is on the minus strand). VCF-style: chr3-146069869-C-T. GRCh37 (hg19) VCF-style: chr3-145787656-C-T.
Other names: c.*848G>A (NM_000935.3).
Identifiers: ClinVar variation 901262 (VCV000901262.4), dbSNP rs183566908, ClinGen allele CA84498898.